The following is an entry in ClinVar:

NM_014476.6(PDLIM3):c.706A>C (p.Met236Leu)

Gene: PDLIM3 (PDZ and LIM domain 3; minus strand). Cytogenetic location: 4q35.1.
Variant type: single nucleotide variant.
Coding change: c.706A>C on transcript NM_014476.6 (MANE Select); coding-DNA position 706, A replaced by C.
Protein change: p.Met236Leu; replaces methionine 236 with leucine.
Molecular consequence: missense variant. On other transcripts: non-coding transcript variant (1).
Genome position (GRCh38, 1-based): chr4:185,506,609, T>G on the plus strand (A>C on the coding strand, the complement: PDLIM3 is on the minus strand). VCF-style: chr4-185506609-T-G. GRCh37 (hg19) VCF-style: chr4-186427763-T-G.
Other names: c.562A>C, p.Met188Leu (NM_001114107.5); c.442A>C, p.Met148Leu (NM_001257962.2); c.205A>C, p.Met69Leu (NM_001257963.2); short protein forms M188L, M236L, M69L, M148L.
Identifiers: ClinVar variation 2114801 (VCV002114801.4), dbSNP rs773433295, ClinGen allele CA3159716.

ClinVar aggregate classification (germline): Uncertain significance (1 of 4 stars; one submission).

Conditions:
Primary dilated cardiomyopathy (DCM). Also called: Dilated Cardiomyopathy. Identifiers: Orphanet 217604, MedGen C0007193, MeSH D002311, MONDO:0005021, HP:0001644. Inheritance: Various modes of inheritance.
Hypertrophic cardiomyopathy. Also called: HYPERTROPHIC MYOCARDIOPATHY. Identifiers: Orphanet 217569, MedGen C0007194, MeSH D002312, MONDO:0005045, HP:0001639.

Allele frequency attached by ClinVar (database versions not stated): gnomAD exomes below 0.00001; ExAC 0.00001; gnomAD 0.00001.
gnomAD v4.1: 3 of 1,610,680 alleles (0.00019%); highest among the groups gnomAD compares: African/African-American, 0.0027%; no homozygotes.

Submission:

Labcorp Genetics (formerly Invitae), Labcorp
Classification: Uncertain significance for Hypertrophic cardiomyopathy; Primary dilated cardiomyopathy. Last evaluated: 2023-11-27. Review status: criteria provided, single submitter. Criteria: Invitae Variant Classification Sherloc (09022015). Collection method: clinical testing. Allele origin: germline.
Comment: This sequence change replaces methionine, which is neutral and non-polar, with leucine, which is neutral and non-polar, at codon 236 of the PDLIM3 protein (p.Met236Leu). This variant is present in population databases (rs773433295, gnomAD 0.006%). This variant has not been reported in the literature in individuals affected with PDLIM3-related conditions. ClinVar contains an entry for this variant (Variation ID: 2114801). Advanced modeling of protein sequence and biophysical properties (such as structural, functional, and spatial information, amino acid conservation, physicochemical variation, residue mobility, and thermodynamic stability) performed at Invitae indicates that this missense variant is not expected to disrupt PDLIM3 protein function with a negative predictive value of 80%. In summary, the available evidence is currently insufficient to determine the role of this variant in disease. Therefore, it has been classified as a Variant of Uncertain Significance.